The following is an entry in ClinVar:

ClinVar aggregate classification (germline): Uncertain significance (1 of 4 stars; one submission).

Conditions:
Sifrim-Hitz-Weiss syndrome (SIHIWES). Also called: SIFRIM-HITZ-WEISS MULTIPLE CONGENITAL ANOMALIES-MENTAL RETARDATION SYNDROME; CHD4 Neurodevelopmental Disorder. Identifiers: Orphanet 653712, MedGen C4310688, MONDO:0014946, OMIM 617159.

Submission:

3billion
Classification: Uncertain significance for Sifrim-Hitz-Weiss syndrome. Last evaluated: 2025-07-01. Review status: criteria provided, single submitter. Criteria: ACMG Guidelines, 2015. Collection method: clinical testing. Allele origin: germline. Affected: yes.
Comment: The variant is not observed in the gnomAD v4.1.0 dataset. Predicted Consequence/Location: Frameshift variant Therefore, this variant is classified as VUS according to the recommendation of ACMG/AMP guideline.

NM_001273.5(CHD4):c.1623del (p.Gln542fs)

Gene: CHD4 (chromodomain helicase DNA binding protein 4; minus strand). Cytogenetic location: 12p13.31.
Variant type: Deletion.
Coding change: c.1623del on transcript NM_001273.5 (MANE Select); coding-DNA position 1623, one base deleted (G; older notation c.1623delG).
Protein change: p.Gln542fs; shifts the reading frame from glutamine 542.
Molecular consequence: frameshift variant.
Genome position (GRCh38, 1-based): chr12:6,598,285, C deleted on the plus strand (G on the coding strand, the reverse complement: CHD4 is on the minus strand); the first of 2 consecutive C bases (chr12:6,598,285-6,598,286); deleting either gives the same sequence. VCF-style (leftmost placement, unchanged base first): chr12-6598284-GC-G. GRCh37 (hg19) VCF-style: chr12-6707450-GC-G.
Other names: c.1584del, p.Gln529fs (NM_001363606.2); c.1602del, p.Gln535fs (NM_001297553.2); short protein forms Q535fs, Q542fs, Q529fs.
Identifiers: ClinVar variation 4855922 (VCV004855922.1).
Genomic context (GRCh38, chr12:6,598,284, plus strand): 5'-GCAGTTCAGAAACCCAGGAGCAGTGCCAGTAAGACATGCCTTGCCATTTCACAAAGAACT[GC>G]CGCTCTGGCCGCCCCTCCAAGGGCTTTGGGGAGGGCGTGTTGGGATCAGCATCTGGAGGC-3'